The following is an entry in ClinVar:

NM_006017.3(PROM1):c.307G>T (p.Val103Phe)

Gene: PROM1 (prominin 1; minus strand). Cytogenetic location: 4p15.32.
Variant type: single nucleotide variant.
Coding change: c.307G>T on transcript NM_006017.3 (MANE Select); coding-DNA position 307, G replaced by T.
Protein change: p.Val103Phe; replaces valine 103 with phenylalanine.
Molecular consequence: missense variant.
Genome position (GRCh38, 1-based): chr4:16,033,506, C>A on the plus strand (G>T on the coding strand, the complement: PROM1 is on the minus strand). VCF-style: chr4-16033506-C-A. GRCh37 (hg19) VCF-style: chr4-16035129-C-A.
Other names: c.280G>T, p.Val94Phe (NM_001145847.2, NM_001145848.2, NM_001145851.2 and 4 more transcripts); c.307G>T, p.Val103Phe (NM_001145849.2, NM_001145850.2); short protein forms V103F, V94F.
Identifiers: ClinVar variation 1435633 (VCV001435633.8), dbSNP rs376610073, ClinGen allele CA2867105.

ClinVar aggregate classification (germline): Uncertain significance (1 of 4 stars; one submission).

Allele frequency attached by ClinVar (database versions not stated): gnomAD exomes 0.00001; ExAC 0.00002; gnomAD 0.00007 and 0.00008; ESP Exome Variant Server 0.00017.

Submission:

Labcorp Genetics (formerly Invitae), Labcorp
Classification: Uncertain significance. Last evaluated: 2025-04-22. Review status: criteria provided, single submitter. Criteria: Invitae Variant Classification Sherloc (09022015). Collection method: clinical testing. Allele origin: germline.
Comment: This sequence change replaces valine, which is neutral and non-polar, with phenylalanine, which is neutral and non-polar, at codon 103 of the PROM1 protein (p.Val103Phe). The frequency data for this variant in the population databases is considered unreliable, as metrics indicate poor data quality at this position in the gnomAD database. This variant has not been reported in the literature in individuals affected with PROM1-related conditions. ClinVar contains an entry for this variant (Variation ID: 1435633). Invitae Evidence Modeling of protein sequence and biophysical properties (such as structural, functional, and spatial information, amino acid conservation, physicochemical variation, residue mobility, and thermodynamic stability) indicates that this missense variant is not expected to disrupt PROM1 protein function with a negative predictive value of 80%. In summary, the available evidence is currently insufficient to determine the role of this variant in disease. Therefore, it has been classified as a Variant of Uncertain Significance.